The following is an entry in ClinVar:

ClinVar aggregate classification (germline): Likely benign. Review status: criteria provided, multiple submitters, no conflicts (2 of 4 stars). 3 submissions from 3 submitters: Likely benign (2). 1 of the submissions does not count toward it. Last evaluated 2026-01-12.

Conditions:
TRPA1-related disorder. Also called: TRPA1-related condition.

Allele frequency attached by ClinVar (database versions not stated): TOPMed 0.00004; gnomAD 0.00011; gnomAD exomes 0.00018; ExAC 0.00050; 1000 Genomes Project 30x 0.00125; 1000 Genomes Project 0.00160.
gnomAD v4.1: 284 of 1,613,212 alleles (0.018%); highest among the groups gnomAD compares: South Asian, 0.24%; 3 homozygotes.

Submissions (3):

Women's Health and Genetics/Laboratory Corporation of America, LabCorp
Classification: Likely benign. Last evaluated: 2026-01-12. Review status: criteria provided, single submitter. Criteria: LabCorp Variant Classification Summary - May 2015. Collection method: clinical testing. Allele origin: germline.

Blueprint Genetics
Classification: Likely benign. Last evaluated: 2024-06-17. Review status: criteria provided, single submitter. Criteria: ACMG Guidelines, 2015. Collection method: clinical testing. Allele origin: germline.

PreventionGenetics, part of Exact Sciences
Classification: Likely benign for TRPA1-related condition. Last evaluated: 2020-03-13. Review status: no assertion criteria provided. Collection method: clinical testing. Allele origin: germline. Not counted in ClinVar's aggregate classification.
Comment: This variant is classified as likely benign based on ACMG/AMP sequence variant interpretation guidelines (Richards et al. 2015 PMID: 25741868, with internal and published modifications).

NM_007332.3(TRPA1):c.180C>T (p.Asp60=)

Gene: TRPA1 (transient receptor potential cation channel subfamily A member 1; minus strand). Cytogenetic location: 8q21.11.
Variant type: single nucleotide variant.
Coding change: c.180C>T on transcript NM_007332.3 (MANE Select); coding-DNA position 180, C replaced by T.
Protein change: p.Asp60=; no amino-acid change (aspartic acid 60 retained).
Molecular consequence: synonymous variant.
Genome position (GRCh38, 1-based): chr8:72,071,799, G>A on the plus strand (C>T on the coding strand, the complement: TRPA1 is on the minus strand). VCF-style: chr8-72071799-G-A. GRCh37 (hg19) VCF-style: chr8-72984034-G-A.
Identifiers: ClinVar variation 3051724 (VCV003051724.4), dbSNP rs532037998, ClinGen allele CA4781306.